The following is an entry in ClinVar:

NM_181882.3(PRX):c.2400G>A (p.Lys800=)

Gene: PRX (periaxin; minus strand). Cytogenetic location: 19q13.2.
Variant type: single nucleotide variant.
Coding change: c.2400G>A on transcript NM_181882.3 (MANE Select); coding-DNA position 2400, G replaced by A.
Protein change: p.Lys800=; no amino-acid change (lysine 800 retained).
Molecular consequence: synonymous variant. On other transcripts: 3 prime UTR variant (1).
Genome position (GRCh38, 1-based): chr19:40,395,952, C>T on the plus strand (G>A on the coding strand, the complement: PRX is on the minus strand). VCF-style: chr19-40395952-C-T. GRCh37 (hg19) VCF-style: chr19-40901859-C-T.
Other names: c.*2605G>A (NM_020956.2).
Identifiers: ClinVar variation 916926 (VCV000916926.27), dbSNP rs2079430394, ClinGen allele CA507679284.
Genomic context (GRCh38, chr19:40,395,952, plus strand): 5'-TGGCTTGCCACGTGATGGGGACTCTGCCCTCCCTAGCTTGGGCATGGTCATCTTGGGCAT[C>T]TTGAAGCCAAATTCCATCCCTTCTGCCTGTTCTGCCTTGGTGGCCTTTAGCTGCACCTCC-3'
Protein context (NP_870998.2, residues 790-810): EQAEGMEFGF[Lys800=]MPKMTMPKLG

ClinVar aggregate classification (germline): Likely benign. Review status: criteria provided, multiple submitters, no conflicts (2 of 4 stars). 3 submissions from 3 submitters: Likely benign (3). Last evaluated 2024-06-01.

Conditions:
Charcot-Marie-Tooth disease. Also called: Charcot-Marie-Tooth Neuropathy; Charcot-Marie-Tooth Hereditary Neuropathy. Identifiers: Orphanet 166, MedGen C0007959, MONDO:0015626.
Charcot-Marie-Tooth disease type 4. Also called: Charcot-Marie-Tooth disease, type IV; Charcot-Marie-Tooth, Type 4. Identifiers: Orphanet 64749, MedGen C4082197, MONDO:0018995.

Allele frequency attached by ClinVar (database versions not stated): TOPMed below 0.00001; gnomAD exomes 0.00001.
gnomAD v4.1: 10 of 1,614,182 alleles (0.00062%); highest among the groups gnomAD compares: Middle Eastern, 0.13%; no homozygotes.

Submissions (3):

CeGaT Center for Human Genetics Tuebingen
Classification: Likely benign. Last evaluated: 2024-06-01. Review status: criteria provided, single submitter. Criteria: CeGaT Center For Human Genetics Tuebingen Variant Classification Criteria Version 2. Collection method: clinical testing. Allele origin: germline. Affected: yes. Observed: 1 variant allele.
Comment: PRX: PM2:Supporting, BP4, BP7

Labcorp Genetics (formerly Invitae), Labcorp
Classification: Likely benign for Charcot-Marie-Tooth disease type 4. Last evaluated: 2022-10-28. Review status: criteria provided, single submitter. Criteria: Invitae Variant Classification Sherloc (09022015). Collection method: clinical testing. Allele origin: germline.

Molecular Genetics Laboratory, London Health Sciences Centre
Classification: Likely benign for Charcot-Marie-Tooth disease. Review status: criteria provided, single submitter. Criteria: ACMG Guidelines, 2015. Collection method: clinical testing. Allele origin: germline. Affected: yes.